The following is an entry in ClinVar:

ClinVar aggregate classification (germline): Uncertain significance (1 of 4 stars; one submission).

Allele frequency attached by ClinVar (database versions not stated): gnomAD exomes below 0.00001; TOPMed 0.00002.
gnomAD v4.1: 5 of 1,613,502 alleles (0.00031%); highest among the groups gnomAD compares: Non-Finnish European, 0.00042%; no homozygotes.

Submission:

Labcorp Genetics (formerly Invitae), Labcorp
Classification: Uncertain significance. Last evaluated: 2023-12-11. Review status: criteria provided, single submitter. Criteria: Invitae Variant Classification Sherloc (09022015). Collection method: clinical testing. Allele origin: germline.
Comment: This sequence change replaces glycine, which is neutral and non-polar, with serine, which is neutral and polar, at codon 213 of the ADGRB2 protein (p.Gly213Ser). This variant is not present in population databases (gnomAD no frequency). This variant has not been reported in the literature in individuals affected with ADGRB2-related conditions. Algorithms developed to predict the effect of missense changes on protein structure and function output the following: SIFT: "Not Available"; PolyPhen-2: "Probably Damaging"; Align-GVGD: "Not Available". The serine amino acid residue is found in multiple mammalian species, which suggests that this missense change does not adversely affect protein function. In summary, the available evidence is currently insufficient to determine the role of this variant in disease. Therefore, it has been classified as a Variant of Uncertain Significance.

NM_001364857.2(ADGRB2):c.637G>A (p.Gly213Ser)

Gene: ADGRB2 (adhesion G protein-coupled receptor B2; minus strand). Cytogenetic location: 1p35.2.
Variant type: single nucleotide variant.
Coding change: c.637G>A on transcript NM_001364857.2 (MANE Select); coding-DNA position 637, G replaced by A.
Protein change: p.Gly213Ser; replaces glycine 213 with serine.
Molecular consequence: missense variant.
Genome position (GRCh38, 1-based): chr1:31,756,200, C>T on the plus strand (G>A on the coding strand, the complement: ADGRB2 is on the minus strand). VCF-style: chr1-31756200-C-T. GRCh37 (hg19) VCF-style: chr1-32221801-C-T.
Other names: c.637G>A, p.Gly213Ser (NM_001294335.2, NM_001294336.2, NM_001703.2); short protein forms G213S.
Identifiers: ClinVar variation 2994538 (VCV002994538.3), dbSNP rs1299361398, ClinGen allele CA339620942.